The following is an entry in ClinVar:

NM_001876.4(CPT1A):c.991A>G (p.Ser331Gly)

Gene: CPT1A (carnitine palmitoyltransferase 1A; minus strand). Cytogenetic location: 11q13.3.
Variant type: single nucleotide variant.
Coding change: c.991A>G on transcript NM_001876.4 (MANE Select); coding-DNA position 991, A replaced by G.
Protein change: p.Ser331Gly; replaces serine 331 with glycine.
Molecular consequence: missense variant.
Genome position (GRCh38, 1-based): chr11:68,784,987, T>C on the plus strand (A>G on the coding strand, the complement: CPT1A is on the minus strand). VCF-style: chr11-68784987-T-C. GRCh37 (hg19) VCF-style: chr11-68552455-T-C.
Other names: c.991A>G, p.Ser331Gly (NM_001031847.3); short protein forms S331G.
Identifiers: ClinVar variation 2111736 (VCV002111736.1), dbSNP rs2495588218, ClinGen allele CA381633601.

ClinVar aggregate classification (germline): Uncertain significance (1 of 4 stars; one submission).

Conditions:
Carnitine palmitoyl transferase 1A deficiency. Also called: Carnitine palmitoyltransferase type I deficiency; CPT deficiency, hepatic, type IA; CPT I DEFICIENCY; CPT DEFICIENCY, HEPATIC, TYPE I; Carnitine palmitoyltransferase 1A deficiency. Identifiers: Orphanet 156, MedGen C1829703, MONDO:0009705, OMIM 255120.

Allele frequency attached by ClinVar (database versions not stated): gnomAD exomes below 0.00001.
gnomAD v4.1: 1 of 1,613,946 alleles (0.000062%); highest among the groups gnomAD compares: Non-Finnish European, 0.000085%; no homozygotes.

Submission:

Labcorp Genetics (formerly Invitae), Labcorp
Classification: Uncertain significance for Carnitine palmitoyl transferase 1A deficiency. Last evaluated: 2022-03-14. Review status: criteria provided, single submitter. Criteria: Invitae Variant Classification Sherloc (09022015). Collection method: clinical testing. Allele origin: germline.
Comment: This sequence change replaces serine, which is neutral and polar, with glycine, which is neutral and non-polar, at codon 331 of the CPT1A protein (p.Ser331Gly). This variant is not present in population databases (gnomAD no frequency). This variant has not been reported in the literature in individuals affected with CPT1A-related conditions. Algorithms developed to predict the effect of missense changes on protein structure and function are either unavailable or do not agree on the potential impact of this missense change (SIFT: "Deleterious"; PolyPhen-2: "Possibly Damaging"; Align-GVGD: "Class C0"). In summary, the available evidence is currently insufficient to determine the role of this variant in disease. Therefore, it has been classified as a Variant of Uncertain Significance.